The following is an entry in ClinVar:

NM_001165963.4(SCN1A):c.1131A>C (p.Arg377=)

Gene: SCN1A (sodium voltage-gated channel alpha subunit 1; minus strand). Cytogenetic location: 2q24.3.
Variant type: single nucleotide variant.
Coding change: c.1131A>C on transcript NM_001165963.4 (MANE Select); coding-DNA position 1131, A replaced by C.
Protein change: p.Arg377=; no amino-acid change (arginine 377 retained).
Molecular consequence: synonymous variant. On other transcripts: 5 prime UTR variant (1), non-coding transcript variant (1).
Genome position (GRCh38, 1-based): chr2:166,047,666, T>G on the plus strand (A>C on the coding strand, the complement: SCN1A is on the minus strand). VCF-style: chr2-166047666-T-G. GRCh37 (hg19) VCF-style: chr2-166904176-T-G.
Other names: p.R377R:CGA>CGC; c.1131A>C, p.Arg377= (NM_001165964.3, NM_001202435.3, NM_001353948.2 and 10 more transcripts); c.-1295A>C (NM_001353961.2).
Identifiers: ClinVar variation 93626 (VCV000093626.64), dbSNP rs114137271, ClinGen allele CA302682.
Genomic context (GRCh38, chr2:166,047,666, plus strand): 5'-GTGTGGCTCTTTAGTTCTCACCAGTTGATAAAGATTTTCCCAGAAGTCCTGAGTCATTAG[T>G]CGAAACAAGGACAAAAAAGCCCAACTGAAGGTATCAAAGCTTGTGTAGCCATAATTGGGA-3'
Protein context (NP_001159435.1, residues 367-387): TFSWAFLSLF[Arg377=]LMTQDFWENL

ClinVar aggregate classification (germline): Conflicting classifications of pathogenicity. Review status: criteria provided, conflicting classifications (1 of 4 stars). 13 submissions from 12 submitters: Uncertain significance (1); Benign (6); Likely benign (4). 2 of the submissions do not count toward it. Last evaluated 2026-09-01.

Conditions:
Early-infantile DEE. Also called: Ohtahara syndrome; Early infantile epileptic encephalopathy with suppression bursts; Early infantile epileptic encephalopathy. Identifiers: Orphanet 1934, MedGen C0393706, MONDO:0800491.
Inborn genetic diseases. Identifiers: MedGen C0950123, MeSH D030342.
Generalized epilepsy with febrile seizures plus, type 2 (GEFSP2). Also called: GEFS+, TYPE 2. Identifiers: Orphanet 36387, MedGen C1858673, MONDO:0011461, OMIM 604403.
Migraine, familial hemiplegic, 3. Identifiers: Orphanet 569, MedGen C1864987, MONDO:0012320, OMIM 609634.

Allele frequency attached by ClinVar (database versions not stated): 1000 Genomes Project 0.00120; 1000 Genomes Project 30x 0.00125; TOPMed 0.00126; ESP Exome Variant Server 0.00177; gnomAD exomes 0.00203; gnomAD 0.00322.
gnomAD v4.1: 3,187 of 1,613,624 alleles (0.2%); highest among the groups gnomAD compares: Non-Finnish European, 0.24%; 7 homozygotes.

Submissions (13):

CeGaT Center for Human Genetics Tuebingen
Classification: Likely benign. Last evaluated: 2026-09-01. Review status: criteria provided, single submitter. Criteria: CeGaT Center For Human Genetics Tuebingen Variant Classification Criteria Version 2. Collection method: clinical testing. Allele origin: germline. Affected: yes. Observed: 39 variant alleles.
Comment: SCN1A: BP4, BS1

Labcorp Genetics (formerly Invitae), Labcorp
Classification: Benign for Early-infantile DEE. Last evaluated: 2026-01-28. Review status: criteria provided, single submitter. Criteria: Invitae Variant Classification Sherloc (09022015). Collection method: clinical testing. Allele origin: germline.

ARUP Laboratories, Molecular Genetics and Genomics, ARUP Laboratories
Classification: Benign. Last evaluated: 2025-04-23. Review status: criteria provided, single submitter. Criteria: ARUP Molecular Germline Variant Investigation Process 2024. Collection method: clinical testing. Allele origin: germline.

Blueprint Genetics
Classification: Likely benign. Last evaluated: 2024-11-25. Review status: criteria provided, single submitter. Criteria: ACMG Guidelines, 2015. Collection method: clinical testing. Allele origin: germline.

Genetic Services Laboratory, University of Chicago
Classification: Likely benign. Last evaluated: 2021-06-23. Review status: criteria provided, single submitter. Criteria: ACMG Guidelines, 2015. Collection method: clinical testing. Allele origin: germline. Affected: no.

Athena Diagnostics
Classification: Benign. Last evaluated: 2019-07-09. Review status: criteria provided, single submitter. Criteria: Athena Diagnostics Criteria. Collection method: clinical testing. Allele origin: germline.

Illumina Laboratory Services, Illumina
Classification: Benign for Migraine, familial hemiplegic, 3. Last evaluated: 2018-01-12. Review status: criteria provided, single submitter. Criteria: ICSL Variant Classification Criteria 13 December 2019. Collection method: clinical testing. Allele origin: germline.
Comment: This variant was observed in the ICSL laboratory as part of a predisposition screen in an ostensibly healthy population. It had not been previously curated by ICSL or reported in the Human Gene Mutation Database (HGMD: prior to June 1st, 2018), and was therefore a candidate for classification through an automated scoring system. Utilizing variant allele frequency, disease prevalence and penetrance estimates, and inheritance mode, an automated score was calculated to assess if this variant is too frequent to cause the disease. Based on the score and internal cut-off values, a variant classified as benign is not then subjected to further curation. The score for this variant resulted in a classification of benign for this disease.

Illumina Laboratory Services, Illumina
Classification: Uncertain significance for Generalized epilepsy with febrile seizures plus, type 2. Last evaluated: 2018-01-12. Review status: criteria provided, single submitter. Criteria: ICSL Variant Classification Criteria 13 December 2019. Collection method: clinical testing. Allele origin: germline.

Ambry Genetics
Classification: Likely benign for Inborn genetic diseases. Last evaluated: 2016-03-16. Review status: criteria provided, single submitter. Criteria: Ambry Variant Classification Scheme 2023. Collection method: clinical testing. Allele origin: germline.

Eurofins Ntd Llc (ga)
Classification: Benign. Last evaluated: 2016-01-07. Review status: criteria provided, single submitter. Criteria: EGL Classification Definitions 2015. Collection method: clinical testing. Allele origin: germline. Observed: 2 variant alleles, 2 heterozygotes.

GeneDx
Classification: Benign. Last evaluated: 2013-06-23. Review status: criteria provided, single submitter. Criteria: GeneDx Variant Classification (06012015). Collection method: clinical testing. Allele origin: germline. Affected: yes.
Comment: This variant is considered likely benign or benign based on one or more of the following criteria: it is a conservative change, it occurs at a poorly conserved position in the protein, it is predicted to be benign by multiple in silico algorithms, and/or has population frequency not consistent with disease.

Clinical Genetics DNA and cytogenetics Diagnostics Lab, Erasmus MC, Erasmus Medical Center
Classification: Likely benign. Review status: no assertion criteria provided. Collection method: clinical testing. Allele origin: germline. Affected: yes. Study: VKGL Data-share Consensus. Not counted in ClinVar's aggregate classification.

Genome Diagnostics Laboratory, University Medical Center Utrecht
Classification: Likely benign. Review status: no assertion criteria provided. Collection method: clinical testing. Allele origin: germline. Affected: yes. Study: VKGL Data-share Consensus. Not counted in ClinVar's aggregate classification.

Literature cited by the submitters: PubMed 11254445 (cited by Athena Diagnostics).